The following is an entry in ClinVar:

NM_001281740.3(FHOD3):c.1574T>C (p.Leu525Pro)

Gene: FHOD3 (formin homology 2 domain containing 3; plus strand). Cytogenetic location: 18q12.2.
Variant type: single nucleotide variant.
Coding change: c.1574T>C on transcript NM_001281740.3 (MANE Select); coding-DNA position 1574, T replaced by C.
Protein change: p.Leu525Pro; replaces leucine 525 with proline.
Molecular consequence: missense variant. On other transcripts: intron variant (2).
Genome position (GRCh38, 1-based): chr18:36,652,857, T>C. VCF-style: chr18-36652857-T-C. GRCh37 (hg19) VCF-style: chr18-34232820-T-C.
Other names: c.1197-5218T>C (NM_025135.5, NM_001281739.3); short protein forms L525P.
Identifiers: ClinVar variation 4292684 (VCV004292684.1).

ClinVar aggregate classification (germline): Uncertain significance (1 of 4 stars; one submission).

Conditions:
Cardiomyopathy, familial hypertrophic, 28. Identifiers: MedGen C5543616, MONDO:0030317, OMIM 619402.

Submission:

3billion
Classification: Uncertain significance for Cardiomyopathy, familial hypertrophic, 28. Last evaluated: 2025-02-11. Review status: criteria provided, single submitter. Criteria: ACMG Guidelines, 2015. Collection method: clinical testing. Allele origin: germline. Affected: yes.
Comment: The variant is not observed in the gnomAD v4.1.0 dataset. Predicted Consequence/Location: Missense variant Therefore, this variant is classified as VUS according to the recommendation of ACMG/AMP guideline.